The following is an entry in ClinVar:

NM_005120.3(MED12):c.6128G>A (p.Arg2043His)

Gene: MED12 (mediator complex subunit 12; plus strand). Cytogenetic location: Xq13.1.
Variant type: single nucleotide variant.
Coding change: c.6128G>A on transcript NM_005120.3 (MANE Select); coding-DNA position 6128, G replaced by A.
Protein change: p.Arg2043His; replaces arginine 2043 with histidine.
Molecular consequence: missense variant.
Genome position (GRCh38, 1-based): chrX:71,140,718, G>A. VCF-style: chrX-71140718-G-A. GRCh37 (hg19) VCF-style: chrX-70360568-G-A.
Other names: short protein forms R2043H.
Identifiers: ClinVar variation 2903386 (VCV002903386.4), dbSNP rs779515761, ClinGen allele CA10444876.

ClinVar aggregate classification (germline): Conflicting classifications of pathogenicity. Review status: criteria provided, conflicting classifications (1 of 4 stars). 2 submissions from 2 submitters: Uncertain significance (1); Benign (1). Last evaluated 2023-12-13.

Conditions:
X-linked intellectual disability with marfanoid habitus. Also called: Lujan Syndrome; X-linked mental retardation with marfanoid habitus syndrome; INTELLECTUAL DEVELOPMENTAL DISORDER, X-LINKED, SYNDROMIC, LUJAN-FRYNS TYPE; Lujan Syndrome (LS). Identifiers: Orphanet 776, MedGen C0796022, MONDO:0010655, OMIM 309520.
FG syndrome (FGS). Identifiers: MedGen C0220769, MONDO:0002010.

Allele frequency attached by ClinVar (database versions not stated): TOPMed 0.00001; gnomAD 0.00002; gnomAD exomes 0.00002; ExAC 0.00003.
gnomAD v4.1: 30 of 1,206,755 alleles (0.0025%); highest among the groups gnomAD compares: Middle Eastern, 0.046%; no homozygotes.

Submissions (2):

Labcorp Genetics (formerly Invitae), Labcorp
Classification: Benign for FG syndrome. Last evaluated: 2023-12-13. Review status: criteria provided, single submitter. Criteria: Invitae Variant Classification Sherloc (09022015). Collection method: clinical testing. Allele origin: germline.

Neuberg Centre For Genomic Medicine, NCGM
Classification: Uncertain significance for X-linked intellectual disability with marfanoid habitus. Last evaluated: 2023-05-20. Review status: criteria provided, single submitter. Criteria: ACMG Guidelines, 2015. Collection method: clinical testing. Allele origin: germline. Inheritance: X-linked recessive inheritance. Affected: yes.
Comment: The observed missense variant c.6128G>A (p.Arg2043His) in the MED12 gene has not been reported previously as a pathogenic variant nor as a benign variant, to our knowledge. This variant is reported with the allele frequency 0.003% in the gnomAD Exomes. The amino acid Arginine at position 2043 is changed to a Histidine changing protein sequence and it might alter its composition and physico-chemical properties. Multiple lines of computational evidence (Polyphen - Probably Damaging and MutationTaster - Disease causing) predict a damaging effect on protein structure and function for this variant. The residue is conserved by GERP++ and PhyloP across 100 vertebrates. For these reasons, this variant has been classified as Uncertain Significance.